The following is an entry in ClinVar:

ClinVar aggregate classification (germline): Uncertain significance (1 of 4 stars; one submission).

Conditions:
Spinocerebellar ataxia, autosomal recessive 26. Identifiers: MedGen C4539948, MONDO:0033116, OMIM 617633.

Allele frequency attached by ClinVar (database versions not stated): gnomAD exomes 0.00004 and 0.00006; gnomAD 0.00005 and 0.00006; ExAC 0.00007; ESP Exome Variant Server 0.00008; TOPMed 0.00010.
gnomAD v4.1: 95 of 1,613,722 alleles (0.0059%); highest among the groups gnomAD compares: South Asian, 0.0077%; no homozygotes.

Submission:

Baylor Genetics
Classification: Uncertain significance for Spinocerebellar ataxia, autosomal recessive 26. Last evaluated: 2018-02-12. Review status: criteria provided, single submitter. Criteria: ACMG Guidelines, 2015. Collection method: clinical testing. Allele origin: unknown. Affected: yes.
Comment: This variant was determined to be of uncertain significance according to ACMG Guidelines, 2015 [PMID:25741868].

NM_006297.3(XRCC1):c.1738C>T (p.Arg580Trp)

Gene: XRCC1 (X-ray repair cross complementing 1; minus strand). Cytogenetic location: 19q13.31.
Variant type: single nucleotide variant.
Coding change: c.1738C>T on transcript NM_006297.3 (MANE Select); coding-DNA position 1738, C replaced by T.
Protein change: p.Arg580Trp; replaces arginine 580 with tryptophan.
Molecular consequence: missense variant.
Genome position (GRCh38, 1-based): chr19:43,543,662, G>A on the plus strand (C>T on the coding strand, the complement: XRCC1 is on the minus strand). VCF-style: chr19-43543662-G-A. GRCh37 (hg19) VCF-style: chr19-44047814-G-A.
Other names: short protein forms R580W.
Identifiers: ClinVar variation 1032426 (VCV001032426.1), dbSNP rs140655170, ClinGen allele CA9488262.